The following is an entry in ClinVar:

ClinVar aggregate classification (germline): Uncertain significance. Review status: criteria provided, multiple submitters, no conflicts (2 of 4 stars). 4 submissions from 4 submitters: Uncertain significance (4). Last evaluated 2024-12-25.

Conditions:
Inborn genetic diseases. Identifiers: MedGen C0950123, MeSH D030342.
Cone-rod dystrophy 20 (CORD20). Identifiers: Orphanet 1872, MedGen C4014856, MONDO:0014427, OMIM 615973.

Allele frequency attached by ClinVar (database versions not stated): ExAC 0.00002.
gnomAD v4.1: 34 of 1,613,508 alleles (0.0021%); highest among the groups gnomAD compares: Admixed American, 0.005%; no homozygotes.

Submissions (4):

Ambry Genetics
Classification: Uncertain significance for Inborn genetic diseases. Last evaluated: 2024-12-25. Review status: criteria provided, single submitter. Criteria: Ambry Variant Classification Scheme 2023. Collection method: clinical testing. Allele origin: germline.

Labcorp Genetics (formerly Invitae), Labcorp
Classification: Uncertain significance. Last evaluated: 2024-08-13. Review status: criteria provided, single submitter. Criteria: Invitae Variant Classification Sherloc (09022015). Collection method: clinical testing. Allele origin: germline.
Comment: This sequence change replaces arginine, which is basic and polar, with lysine, which is basic and polar, at codon 85 of the POC1B protein (p.Arg85Lys). This variant is present in population databases (rs779703981, gnomAD 0.006%). This variant has not been reported in the literature in individuals affected with POC1B-related conditions. ClinVar contains an entry for this variant (Variation ID: 1523975). Advanced modeling of protein sequence and biophysical properties (such as structural, functional, and spatial information, amino acid conservation, physicochemical variation, residue mobility, and thermodynamic stability) performed at Invitae indicates that this missense variant is not expected to disrupt POC1B protein function with a negative predictive value of 80%. In summary, the available evidence is currently insufficient to determine the role of this variant in disease. Therefore, it has been classified as a Variant of Uncertain Significance.

Fulgent Genetics
Classification: Uncertain significance for Cone-rod dystrophy 20. Last evaluated: 2024-04-11. Review status: criteria provided, single submitter. Criteria: ACMG Guidelines, 2015. Collection method: clinical testing. Allele origin: germline.

Blueprint Genetics
Classification: Uncertain significance. Last evaluated: 2023-06-29. Review status: criteria provided, single submitter. Criteria: ACMG Guidelines, 2015. Collection method: clinical testing. Allele origin: germline.

NM_172240.3(POC1B):c.254G>A (p.Arg85Lys)

Genes: POC1B (POC1 centriolar protein B; minus strand), POC1B-DUSP6 (POC1B-DUSP6 readthrough; minus strand). Cytogenetic location: 12q21.33.
Variant type: single nucleotide variant.
Coding change: c.254G>A on transcript NM_172240.3 (MANE Select); coding-DNA position 254, G replaced by A.
Protein change: p.Arg85Lys; replaces arginine 85 with lysine.
Molecular consequence: missense variant.
Genome position (GRCh38, 1-based): chr12:89,497,189, C>T on the plus strand (G>A on the coding strand, the complement: POC1B is on the minus strand). VCF-style: chr12-89497189-C-T. GRCh37 (hg19) VCF-style: chr12-89890966-C-T.
Other names: c.128G>A, p.Arg43Lys (NM_001199777.2); c.254G>A (NM_172240.2); short protein forms R85K, R43K.
Identifiers: ClinVar variation 1523975 (VCV001523975.9), dbSNP rs779703981, ClinGen allele CA6714571.